The following is an entry in ClinVar:

ClinVar aggregate classification (germline): Benign. Review status: criteria provided, single submitter (1 of 4 stars). 2 submissions from 2 submitters: Benign (1). 1 of the submissions does not count toward it. Last evaluated 2025-05-07.

Conditions:
JMJD1C-related disorder. Also called: JMJD1C-related condition.
Early Myoclonic Encephalopathy. Identifiers: MedGen C0270855.

Submissions (2):

Labcorp Genetics (formerly Invitae), Labcorp
Classification: Benign for Early Myoclonic Encephalopathy. Last evaluated: 2025-05-07. Review status: criteria provided, single submitter. Criteria: Invitae Variant Classification Sherloc (09022015). Collection method: clinical testing. Allele origin: germline.

PreventionGenetics, part of Exact Sciences
Classification: Likely benign for JMJD1C-related condition. Last evaluated: 2019-04-11. Review status: no assertion criteria provided. Collection method: clinical testing. Allele origin: germline. Not counted in ClinVar's aggregate classification.
Comment: This variant is classified as likely benign based on ACMG/AMP sequence variant interpretation guidelines (Richards et al. 2015 PMID: 25741868, with internal and published modifications).

NM_032776.3(JMJD1C):c.554-11dup

Gene: JMJD1C (jumonji domain containing 1C; minus strand). Cytogenetic location: 10q21.3.
Variant type: Duplication.
Coding change: c.554-11dup on transcript NM_032776.3 (MANE Select); 11 bases into the intron before coding-DNA position 554, one base duplicated (T; older notation c.554-11dupT).
Molecular consequence: intron variant.
Genome position (GRCh38, 1-based): chr10:63,217,335, A duplicated on the plus strand (T on the coding strand, the reverse complement: JMJD1C is on the minus strand); the first of 8 consecutive A bases (chr10:63,217,335-63,217,342); duplicating any one gives the same sequence. VCF-style (leftmost placement, unchanged base first): chr10-63217334-T-TA. GRCh37 (hg19) VCF-style: chr10-64977094-T-TA.
Other names: c.-104-11dup (NM_001322258.2, NM_001322254.2); c.8-11dup (NM_001318154.2, NM_001282948.2); c.440-11dup (NM_001322252.2); c.-315-11dup (NM_001318153.2); c.554-4dupT (NM_032776.2).
Identifiers: ClinVar variation 1169168 (VCV001169168.11), dbSNP rs758235168, ClinGen allele CA5519006.